The following is an entry in ClinVar:

ClinVar aggregate classification (germline): Uncertain significance (1 of 4 stars; one submission).

Allele frequency attached by ClinVar (database versions not stated): gnomAD exomes below 0.00001; TOPMed below 0.00001; gnomAD 0.00001.
gnomAD v4.1: 4 of 1,614,050 alleles (0.00025%); highest among the groups gnomAD compares: African/African-American, 0.0013%; no homozygotes.

Submission:

Women's Health and Genetics/Laboratory Corporation of America, LabCorp
Classification: Uncertain significance. Last evaluated: 2022-12-29. Review status: criteria provided, single submitter. Criteria: LabCorp Variant Classification Summary - May 2015. Collection method: clinical testing. Allele origin: germline.
Comment: Variant summary: WDFY3 c.6722A>C (p.Glu2241Ala) results in a non-conservative amino acid change in the encoded protein sequence. Three of five in-silico tools predict a benign effect of the variant on protein function. The variant was absent in 251424 control chromosomes. The available data on variant occurrences in the general population are insufficient to allow any conclusion about variant significance. To our knowledge, no occurrence of c.6722A>C in individuals affected with Microcephaly 18, Primary, Autosomal Dominant and no experimental evidence demonstrating its impact on protein function have been reported. No clinical diagnostic laboratories have submitted clinical-significance assessments for this variant to ClinVar after 2014. Based on the evidence outlined above, the variant was classified as uncertain significance.

NM_014991.6(WDFY3):c.6722A>C (p.Glu2241Ala)

Gene: WDFY3 (WD repeat and FYVE domain containing 3; minus strand). Cytogenetic location: 4q21.23.
Variant type: single nucleotide variant.
Coding change: c.6722A>C on transcript NM_014991.6 (MANE Select); coding-DNA position 6722, A replaced by C.
Protein change: p.Glu2241Ala; replaces glutamic acid 2241 with alanine.
Molecular consequence: missense variant.
Genome position (GRCh38, 1-based): chr4:84,737,219, T>G on the plus strand (A>C on the coding strand, the complement: WDFY3 is on the minus strand). VCF-style: chr4-84737219-T-G. GRCh37 (hg19) VCF-style: chr4-85658372-T-G.
Other names: short protein forms E2241A.
Identifiers: ClinVar variation 1878410 (VCV001878410.1), dbSNP rs1475939795, ClinGen allele CA357551872.